The following is an entry in ClinVar:

ClinVar aggregate classification (germline): Conflicting classifications of pathogenicity. Review status: criteria provided, conflicting classifications (1 of 4 stars). 4 submissions from 4 submitters: Pathogenic (2); Likely pathogenic (1); Uncertain significance (1). Last evaluated 2025-08-03.

Conditions:
BPTF-related disorder. Also called: BPTF-related condition.
Inborn genetic diseases. Identifiers: MedGen C0950123, MeSH D030342.

Submissions (4):

GeneDx
Classification: Pathogenic. Last evaluated: 2025-08-03. Review status: criteria provided, single submitter. Criteria: GeneDx Variant Classification Process June 2021. Collection method: clinical testing. Allele origin: germline. Affected: yes.
Comment: Reported as de novo in an individual with multiple congenital anomalies, however, specific clinical information was not provided; please note this variant is referred to as E867Rfs*23 using alternate nomenclature (PMID: 27513193); Frameshift variant predicted to result in protein truncation or nonsense mediated decay in a gene for which loss of function is a known mechanism of disease; This variant is associated with the following publications: (PMID: 26899553, 27513193)

PreventionGenetics, part of Exact Sciences
Classification: Likely pathogenic for BPTF-related condition. Last evaluated: 2024-10-15. Review status: criteria provided, single submitter. Criteria: ACMG Guidelines, 2015. Collection method: clinical testing. Allele origin: germline.
Comment: The BPTF c.2598dupA variant is predicted to result in a frameshift and premature protein termination (p.Glu867Argfs*23). The p.Glu867Argfs*23 variant has been reported de novo in an individual with multiple congenital anomalies, although detailed clinical information was not available (Farwell Hagman et al. 2017. PubMed ID: 27513193). This variant is reported in 0.11% of alleles in individuals of Latino descent in gnomAD. This variant falls within a region with repetitive sequences, and therefore allele frequency data should be interpreted with caution. Frameshift variants in BPTF are expected to be pathogenic. This variant is interpreted as likely pathogenic.

Mendelics
Classification: Uncertain significance. Last evaluated: 2022-05-04. Review status: criteria provided, single submitter. Criteria: Mendelics Assertion Criteria 2019. Collection method: clinical testing. Allele origin: germline.

Ambry Genetics
Classification: Pathogenic for Inborn genetic diseases. Last evaluated: 2017-09-13. Review status: criteria provided, single submitter. Criteria: Ambry exome assertion method (8-5-2015). Collection method: clinical testing. Allele origin: germline. Affected: yes. Observed: 1 variant allele.

NM_182641.4(BPTF):c.2598dup (p.Glu867fs)

Gene: BPTF (bromodomain PHD finger transcription factor; plus strand). Cytogenetic location: 17q24.2.
Variant type: Duplication.
Coding change: c.2598dup on transcript NM_182641.4 (MANE Select); coding-DNA position 2598, one base duplicated (A; older notation c.2598dupA).
Protein change: p.Glu867fs; shifts the reading frame from glutamic acid 867.
Molecular consequence: frameshift variant.
Genome position (GRCh38, 1-based): chr17:67,903,843, A duplicated; the last of 9 consecutive A bases (chr17:67,903,835-67,903,843); duplicating any one gives the same sequence. VCF-style (leftmost placement, unchanged base first): chr17-67903834-C-CA. GRCh37 (hg19) VCF-style: chr17-65899950-C-CA.
Other names: c.2976dup, p.Glu993fs (NM_004459.7); c.2598dupA (NM_182641.3); short protein forms E867fs, E993fs.
Identifiers: ClinVar variation 520550 (VCV000520550.10), dbSNP rs753044214, ClinGen allele CA8725480.